The following is an entry in ClinVar:

ClinVar aggregate classification (germline): Uncertain significance. Review status: criteria provided, multiple submitters, no conflicts (2 of 4 stars). 4 submissions from 4 submitters: Uncertain significance (4). Last evaluated 2026-05-14.

Conditions:
TTN-related disorder. Also called: TTN-related condition; TTN-related disease; TTN-related disorders.

Allele frequency attached by ClinVar (database versions not stated): ExAC 0.00001; gnomAD 0.00002; TOPMed 0.00002; ESP Exome Variant Server 0.00008.
gnomAD v4.1: 6 of 1,608,782 alleles (0.00037%); highest among the groups gnomAD compares: African/African-American, 0.0081%; no homozygotes.

Submissions (4):

PreventionGenetics, part of Exact Sciences
Classification: Uncertain significance for TTN-related condition. Last evaluated: 2026-05-14. Review status: criteria provided, single submitter. Criteria: ACMG Guidelines, 2015. Collection method: clinical testing. Allele origin: germline.
Comment: The TTN c.68228T>G variant is predicted to result in the amino acid substitution p.Val22743Gly. To our knowledge, this variant has not been reported in the literature. This variant is reported in 0.025% of alleles in individuals of African descent in gnomAD. At this time, the clinical significance of this variant is uncertain due to the absence of conclusive functional and genetic evidence.

GeneDx
Classification: Uncertain significance. Last evaluated: 2024-05-09. Review status: criteria provided, single submitter. Criteria: GeneDx Variant Classification Process June 2021. Collection method: clinical testing. Allele origin: germline. Affected: yes.
Comment: Not observed at significant frequency in large population cohorts (gnomAD); Missense variant in a gene in which most reported pathogenic variants are truncating/loss of function; Has not been previously published as pathogenic or benign to our knowledge

Eurofins Ntd Llc (ga)
Classification: Uncertain significance. Last evaluated: 2015-11-23. Review status: criteria provided, single submitter. Criteria: EGL Classification Definitions 2015. Collection method: clinical testing. Allele origin: germline. Observed: 1 variant allele, 1 heterozygote.

Breakthrough Genomics
Classification: Uncertain significance. Review status: criteria provided, single submitter. Criteria: ACMG Guidelines, 2015. Collection method: not provided. Allele origin: germline. Inheritance: Autosomal recessive inheritance. Affected: yes.

NM_001267550.2(TTN):c.68228T>G (p.Val22743Gly)

Genes: TTN-AS1 (TTN antisense RNA 1; plus strand), TTN (titin; minus strand), LOC126806423 (CDK7 strongly-dependent group 2 enhancer GRCh37_chr2:179443309-179444508; plus strand). Cytogenetic location: 2q31.2.
Variant type: single nucleotide variant.
Coding change: c.68228T>G on transcript NM_001267550.2 (MANE Select); coding-DNA position 68228, T replaced by G.
Protein change: p.Val22743Gly; replaces valine 22743 with glycine.
Molecular consequence: missense variant.
Genome position (GRCh38, 1-based): chr2:178,578,712, A>C on the plus strand (T>G on the coding strand, the complement: TTN is on the minus strand). VCF-style: chr2-178578712-A-C. GRCh37 (hg19) VCF-style: chr2-179443439-A-C.
Other names: c.63305T>G, p.Val21102Gly (NM_001256850.1); c.41033T>G, p.Val13678Gly (NM_003319.4); c.60524T>G, p.Val20175Gly (NM_133378.4); c.41408T>G, p.Val13803Gly (NM_133432.3); c.41609T>G, p.Val13870Gly (NM_133437.4); c.68228T>G (NM_001267550.1); short protein forms V22743G, V20175G, V21102G, V13870G, V13678G, V13803G.
Identifiers: ClinVar variation 284299 (VCV000284299.8), dbSNP rs377290384, ClinGen allele CA1991153.